The following is an entry in ClinVar:

ClinVar aggregate classification (germline): Uncertain significance (1 of 4 stars; one submission).

Conditions:
Epidermolysis bullosa simplex 3, localized or generalized intermediate, with BP230 deficiency (EBS3). Also called: Epidermolysis bullosa simplex due to BP230 deficiency; Epidermolysis bullosa simplex, autosomal recessive 2. Identifiers: Orphanet 412181, MedGen C3809470, MONDO:0014180, OMIM 615425.
Hereditary sensory and autonomic neuropathy type 6. Also called: HSAN VI; Neuropathy, hereditary sensory and autonomic, type VI. Identifiers: Orphanet 314381, MedGen C3539003, MONDO:0013839, OMIM 614653.

Submission:

Labcorp Genetics (formerly Invitae), Labcorp
Classification: Uncertain significance for Epidermolysis bullosa simplex 3, localized or generalized intermediate, with BP230 deficiency; Hereditary sensory and autonomic neuropathy type 6. Last evaluated: 2021-08-01. Review status: criteria provided, single submitter. Criteria: Invitae Variant Classification Sherloc (09022015). Collection method: clinical testing. Allele origin: germline.
Comment: This sequence change replaces valine with isoleucine at codon 3477 of the DST protein (p.Val3477Ile). The DST gene has multiple clinically relevant transcripts. This variant occurs in alternate transcript NM_015548.4, and corresponds to NM_001723.5:c.*98260G>A in the primary transcript. This variant is not present in population databases (ExAC no frequency). This variant has not been reported in the literature in individuals affected with DST-related conditions. Experimental studies and prediction algorithms are not available or were not evaluated, and the functional significance of this variant is currently unknown. In summary, the available evidence is currently insufficient to determine the role of this variant in disease. Therefore, it has been classified as a Variant of Uncertain Significance.

NM_001374736.1(DST):c.18298G>A (p.Val6100Ile)

Gene: DST (dystonin; minus strand). Cytogenetic location: 6p12.1.
Variant type: single nucleotide variant.
Coding change: c.18298G>A on transcript NM_001374736.1 (MANE Select); coding-DNA position 18298, G replaced by A.
Protein change: p.Val6100Ile; replaces valine 6100 with isoleucine.
Molecular consequence: missense variant.
Genome position (GRCh38, 1-based): chr6:56,517,257, C>T on the plus strand (G>A on the coding strand, the complement: DST is on the minus strand). VCF-style: chr6-56517257-C-T. GRCh37 (hg19) VCF-style: chr6-56382055-C-T.
Other names: c.11941G>A, p.Val3981Ile (NM_001144769.5); c.11527G>A, p.Val3843Ile (NM_001144770.2); c.18298G>A, p.Val6100Ile (NM_001374722.1); c.17338G>A, p.Val5780Ile (NM_001374729.1); c.11080G>A, p.Val3694Ile (NM_001374730.1); c.18325G>A, p.Val6109Ile (NM_001374734.1); c.11407G>A, p.Val3803Ile (NM_001386100.1, NM_183380.4); c.10429G>A, p.Val3477Ile (NM_015548.5); short protein forms V3477I, V5780I, V3843I, V3803I, V6109I, V3694I, V3981I, V6100I.
Identifiers: ClinVar variation 1370298 (VCV001370298.6), dbSNP rs2152489873, ClinGen allele CA364504060.
Genomic context (GRCh38, chr6:56,517,257, plus strand): 5'-CCTTCATTGATTGCTTTTCCTCTTCACTGCATGCGGTCATGATTTTATGCCCAGATTTAA[C>T]AAGGTCATCAATAATATCCTTGTGTCTCAAAATCTCCATGGTGAATGTCTGTGATTTACC-3'
Protein context (NP_001361665.1, residues 6090-6110): LRHKDIIDDL[Val6100Ile]KSGHKIMTAC